The following is an entry in ClinVar:

NM_002230.4(JUP):c.527G>A (p.Arg176Gln)

Gene: JUP (junction plakoglobin; minus strand). Cytogenetic location: 17q21.2.
Variant type: single nucleotide variant.
Coding change: c.527G>A on transcript NM_002230.4 (MANE Select); coding-DNA position 527, G replaced by A.
Protein change: p.Arg176Gln; replaces arginine 176 with glutamine.
Molecular consequence: missense variant.
Genome position (GRCh38, 1-based): chr17:41,769,149, C>T on the plus strand (G>A on the coding strand, the complement: JUP is on the minus strand). VCF-style: chr17-41769149-C-T. GRCh37 (hg19) VCF-style: chr17-39925401-C-T.
Other names: c.527G>A, p.Arg176Gln (NM_001352773.2, NM_001352774.2, NM_001352775.2 and 3 more transcripts); short protein forms R176Q.
Identifiers: ClinVar variation 163725 (VCV000163725.33), dbSNP rs144171604, ClinGen allele CA176404.

ClinVar aggregate classification (germline): Benign/Likely benign. Review status: criteria provided, multiple submitters, no conflicts (2 of 4 stars). 8 submissions from 8 submitters: Benign (7); Likely benign (1). Last evaluated 2026-05-01.

Conditions:
Cardiovascular phenotype. Identifiers: MedGen CN230736.
Cardiomyopathy (CMYO). Also called: Cardiomyopathies. Identifiers: Orphanet 167848, MedGen C0878544, MONDO:0004994, HP:0001638. Inheritance: Various modes of inheritance.
Primary dilated cardiomyopathy (DCM). Also called: Dilated Cardiomyopathy. Identifiers: Orphanet 217604, MedGen C0007193, MeSH D002311, MONDO:0005021, HP:0001644. Inheritance: Various modes of inheritance.
Arrhythmogenic right ventricular dysplasia 12. Also called: ARRHYTHMOGENIC RIGHT VENTRICULAR DYSPLASIA, FAMILIAL, 12. Identifiers: MedGen C1969081, MONDO:0012684, OMIM 611528.
Naxos disease (NXD). Also called: MAL DE NAXOS; PALMOPLANTAR KERATODERMA WITH ARRHYTHMOGENIC RIGHT VENTRICULAR CARDIOMYOPATHY AND WOOLLY HAIR; WOOLLY HAIR, PALMOPLANTAR KERATODERMA, AND CARDIAC ABNORMALITIES; CARDIOMYOPATHY, ARRHYTHMOGENIC RIGHT VENTRICULAR, WITH SKIN, HAIR, AND NAIL ABNORMALITIES; KERATOSIS PALMOPLANTARIS WITH ARRHYTHMOGENIC CARDIOMYOPATHY. Identifiers: Orphanet 34217, MedGen C1832600, MONDO:0011017, OMIM 601214.

Allele frequency attached by ClinVar (database versions not stated): ESP Exome Variant Server 0.00008; gnomAD 0.00016; gnomAD exomes 0.00033 and 0.00154; 1000 Genomes Project 30x 0.00078; 1000 Genomes Project 0.00080; TOPMed 0.00082; ExAC 0.00108.
gnomAD v4.1: 498 of 1,606,996 alleles (0.031%); highest among the groups gnomAD compares: Admixed American, 0.7%; 5 homozygotes.

Submissions (8):

CeGaT Center for Human Genetics Tuebingen
Classification: Likely benign. Last evaluated: 2026-05-01. Review status: criteria provided, single submitter. Criteria: CeGaT Center For Human Genetics Tuebingen Variant Classification Criteria Version 2. Collection method: clinical testing. Allele origin: germline. Affected: yes. Observed: 1 variant allele.
Comment: JUP: PM5, BS2

Labcorp Genetics (formerly Invitae), Labcorp
Classification: Benign for Arrhythmogenic right ventricular dysplasia 12; Naxos disease. Last evaluated: 2026-02-01. Review status: criteria provided, single submitter. Criteria: Invitae Variant Classification Sherloc (09022015). Collection method: clinical testing. Allele origin: germline.

ARUP Laboratories, Molecular Genetics and Genomics, ARUP Laboratories
Classification: Benign. Last evaluated: 2024-01-03. Review status: criteria provided, single submitter. Criteria: ARUP Molecular Germline Variant Investigation Process 2024. Collection method: clinical testing. Allele origin: germline.

GeneDx
Classification: Benign. Last evaluated: 2019-07-18. Review status: criteria provided, single submitter. Criteria: GeneDx Variant Classification Process June 2021. Collection method: clinical testing. Allele origin: germline. Affected: yes.
Comment: This variant is associated with the following publications: (PMID: 31453292)

Laboratory for Molecular Medicine, Mass General Brigham Personalized Medicine
Classification: Benign. Last evaluated: 2019-03-08. Review status: criteria provided, single submitter. Criteria: LMM Criteria. Collection method: clinical testing. Allele origin: germline. Observed: 1 variant allele.
Comment: The p.Arg176Gln variant in JUP is classified as benign because it has been identified in 1% (358/35322) of Latino chromosomes by gnomAD. ACMG/AMP Criteria applied: BA1.

Women's Health and Genetics/Laboratory Corporation of America, LabCorp
Classification: Benign. Last evaluated: 2017-12-26. Review status: criteria provided, single submitter. Criteria: LabCorp Variant Classification Summary - May 2015. Collection method: clinical testing. Allele origin: germline.
Comment: Variant summary: The JUP c.527G>A (p.Arg176Gln) variant involves the alteration of a conserved nucleotide. 3/4 in silico tools predict a damaging outcome for this variant (SNPsandGO not captured due to low reliability index). This variant was found in 375/268868 control chromosomes (5 homozygotes), predominantly observed in the Latino subpopulation at a frequency of 0.010312 (354/34328). This frequency is about 1031 times the estimated maximal expected allele frequency of a pathogenic JUP variant (0.00001), suggesting this is likely a benign polymorphism found primarily in the populations of Latino origin. In addition, multiple clinical diagnostic laboratories/reputable databases classified this variant as benign. The variant of interest has not, to our knowledge, been reported in affected individuals via publications; nor evaluated for functional impact by in vivo/vitro studies. Taken together, this variant is classified as benign.

Center for Advanced Laboratory Medicine, UC San Diego Health, University of California San Diego
Classification: Benign for Cardiomyopathy; Dilated cardiomyopathy. Last evaluated: 2017-08-30. Review status: criteria provided, single submitter. Criteria: ACMG Guidelines, 2015. Collection method: clinical testing. Allele origin: germline. Affected: yes. Observed: 2 variant alleles.

Ambry Genetics
Classification: Benign for Cardiovascular phenotype. Last evaluated: 2016-06-13. Review status: criteria provided, single submitter. Criteria: Ambry Variant Classification Scheme 2023. Collection method: clinical testing. Allele origin: germline.